The following is an entry in ClinVar:

ClinVar aggregate classification (germline): Likely pathogenic (1 of 4 stars; one submission).

Conditions:
Autosomal recessive limb-girdle muscular dystrophy. Identifiers: Orphanet 102015, MedGen C2931907, MONDO:0015152.

gnomAD v4.1: 1 of 1,614,022 alleles (0.000062%); highest among the groups gnomAD compares: Admixed American, 0.0017%; no homozygotes.

Submission:

Women's Health and Genetics/Laboratory Corporation of America, LabCorp
Classification: Likely pathogenic for Autosomal recessive limb-girdle muscular dystrophy. Last evaluated: 2024-01-12. Review status: criteria provided, single submitter. Criteria: LabCorp Variant Classification Summary - May 2015. Collection method: clinical testing. Allele origin: germline.
Comment: Variant summary: CAPN3 c.779C>T (p.Ser260Phe) results in a non-conservative amino acid change located in the catalytic domain (IPR001300) of the encoded protein sequence. Five of five in-silico tools predict a damaging effect of the variant on protein function. The variant allele was found at a frequency of 4e-06 in 251320 control chromosomes. The available data on variant occurrences in the general population are insufficient to allow any conclusion about variant significance. c.779C>T has been reported in the literature in both homozygous and compound heterozygous individuals affected with Limb-Girdle Muscular Dystrophy, Autosomal Recessive (e.g., Saenz_2005, Blazquez_2008, Ozyilmaz_2022). These data indicate that the variant is likely to be associated with disease. To our knowledge, no experimental evidence demonstrating an impact on protein function has been reported. The following publications have been ascertained in the context of this evaluation (PMID: 18563459, 35157181, 15689361). No submitters have reported clinical-significance assessments for this variant to ClinVar. Based on the evidence outlined above, the variant was classified as likely pathogenic.

Literature cited by the submitters: PubMed 15689361; PubMed 18563459; PubMed 35157181.

NM_000070.3(CAPN3):c.779C>T (p.Ser260Phe)

Gene: CAPN3 (calpain 3; plus strand). Cytogenetic location: 15q15.1.
Variant type: single nucleotide variant.
Coding change: c.779C>T on transcript NM_000070.3 (MANE Select); coding-DNA position 779, C replaced by T.
Protein change: p.Ser260Phe; replaces serine 260 with phenylalanine.
Molecular consequence: missense variant.
Genome position (GRCh38, 1-based): chr15:42,389,074, C>T. VCF-style: chr15-42389074-C-T. GRCh37 (hg19) VCF-style: chr15-42681272-C-T.
Other names: c.779C>T, p.Ser260Phe (NM_024344.2, NM_173087.2); c.518C>T, p.Ser173Phe (NM_212464.2); c.*472C>T (NM_212467.2); short protein forms S173F, S260F.
Identifiers: ClinVar variation 3063866 (VCV003063866.1), dbSNP rs1237444643, ClinGen allele CA391998368.
Genomic context (GRCh38, chr15:42,389,074, plus strand): 5'-AGATCAGGGATGCTCCTAGTGACATGTACAAGATCATGAAGAAAGCCATCGAGAGAGGCT[C>T]CCTCATGGGCTGCTCCATTGATGTAAGTCTGGGGTGTGGGGCACAGGGTGGGGAGCTCCA-3'
Protein context (NP_000061.1, residues 250-270): KIMKKAIERG[Ser260Phe]LMGCSIDDGT